The following is an entry in ClinVar:

ClinVar aggregate classification (germline): Pathogenic (1 of 4 stars; one submission).

Conditions:
Primary ciliary dyskinesia 3. Identifiers: Orphanet 244, MedGen C1837618, MONDO:0012085, OMIM 608644.

Submission:

Myriad Genetics, Inc.
Classification: Pathogenic for Primary ciliary dyskinesia 3. Last evaluated: 2024-05-14. Review status: criteria provided, single submitter. Criteria: Myriad Autosomal Dominant, Autosomal Recessive and X-Linked Classification Criteria (2023). Collection method: clinical testing. Allele origin: unknown.
Comment: NM_001369.2(DNAH5):c.10815_10817delTCCinsCT(P3606Yfs*23) is expected to be pathogenic in the context of primary ciliary dyskinesia, DNAH5-related. This variant is predicted to lead to an abnormal or absent protein product due to the creation of a premature termination codon in DNAH5, a gene where loss-of-function variants are known to be pathogenic. Please note: this variant was assessed in the context of healthy population screening.

NM_001369.3(DNAH5):c.10815_10817delinsCT (p.Pro3606fs)

Gene: DNAH5 (dynein axonemal heavy chain 5; minus strand). Cytogenetic location: 5p15.2.
Variant type: Indel.
Coding change: c.10815_10817delinsCT on transcript NM_001369.3 (MANE Select); coding-DNA positions 10815 to 10817, TCC replaced by CT.
Protein change: p.Pro3606fs; shifts the reading frame from proline 3606.
Molecular consequence: frameshift variant.
Genome position (GRCh38, 1-based): chr5:13,753,288-13,753,290, GGA replaced by AG on the plus strand (TCC replaced by CT on the coding strand, the reverse complement: DNAH5 is on the minus strand). VCF-style: chr5-13753288-GGA-AG. GRCh37 (hg19) VCF-style: chr5-13753397-GGA-AG.
Other names: short protein forms P3606fs.
Identifiers: ClinVar variation 5012859 (VCV005012859.1).